The following is an entry in ClinVar:

NM_133259.4(LRPPRC):c.2505-2A>T

Gene: LRPPRC (leucine rich pentatricopeptide repeat containing; minus strand). Cytogenetic location: 2p21.
Variant type: single nucleotide variant.
Coding change: c.2505-2A>T on transcript NM_133259.4 (MANE Select); the canonical splice acceptor site of the intron before coding-DNA position 2505, A replaced by T.
Molecular consequence: splice acceptor variant.
Genome position (GRCh38, 1-based): chr2:43,934,880, T>A on the plus strand (A>T on the coding strand, the complement: LRPPRC is on the minus strand). VCF-style: chr2-43934880-T-A. GRCh37 (hg19) VCF-style: chr2-44162019-T-A.
Identifiers: ClinVar variation 2713898 (VCV002713898.6), dbSNP rs1330743871, ClinGen allele CA346671867.

ClinVar aggregate classification (germline): Likely pathogenic. Review status: criteria provided, multiple submitters, no conflicts (2 of 4 stars). 3 submissions from 3 submitters: Likely pathogenic (3). Last evaluated 2025-04-07.

Conditions:
Congenital lactic acidosis, Saguenay-Lac-Saint-Jean type (MC4DN5). Also called: CYTOCHROME c OXIDASE DEFICIENCY, FRENCH CANADIAN TYPE; COX DEFICIENCY, FRENCH CANADIAN TYPE; MITOCHONDRIAL COMPLEX IV DEFICIENCY, NUCLEAR TYPE 5. Identifiers: Orphanet 70472, MedGen C1857355, MONDO:0009069, OMIM 220111.

Allele frequency attached by ClinVar (database versions not stated): gnomAD exomes below 0.00001; gnomAD 0.00001.

Submissions (4):

Myriad Genetics, Inc.
Classification: Likely pathogenic for Congenital lactic acidosis, Saguenay-Lac-Saint-Jean type. Last evaluated: 2025-04-07. Review status: criteria provided, single submitter. Criteria: Myriad Autosomal Dominant, Autosomal Recessive and X-Linked Classification Criteria (2023). Collection method: clinical testing. Allele origin: unknown.
Comment: NM_133259.3(LRPPRC):c.2505-2A>T is a variant in a canonical splice site classified as likely pathogenic in the context of Leigh syndrome, French-Canadian type. c.2505-2A>T has not been observed in cases with relevant disease. Relevant functional assessments of this variant are not available in the literature. c.2505-2A>T has been observed in referenced population frequency databases. In summary, NM_133259.3(LRPPRC):c.2505-2A>T is a variant in a canonical splice site in a gene where loss of function is a known mechanism of disease and is predicted to disrupt protein function. Please note: this variant was assessed in the context of healthy population screening.

Fulgent Genetics
Classification: Likely pathogenic for Congenital lactic acidosis, Saguenay-Lac-Saint-Jean type. Last evaluated: 2024-06-07. Review status: criteria provided, single submitter. Criteria: ACMG Guidelines, 2015. Collection method: clinical testing. Allele origin: germline.

Labcorp Genetics (formerly Invitae), Labcorp
Classification: Likely pathogenic. Last evaluated: 2024-01-28. Review status: criteria provided, single submitter. Criteria: Invitae Variant Classification Sherloc (09022015). Collection method: clinical testing. Allele origin: germline.
Comment: This sequence change affects an acceptor splice site in intron 23 of the LRPPRC gene. It is expected to disrupt RNA splicing. Variants that disrupt the donor or acceptor splice site typically lead to a loss of protein function (PMID: 16199547), and loss-of-function variants in LRPPRC are known to be pathogenic (PMID: 26510951). This variant is present in population databases (no rsID available, gnomAD 0.004%). This variant has not been reported in the literature in individuals affected with LRPPRC-related conditions. Algorithms developed to predict the effect of sequence changes on RNA splicing suggest that this variant may disrupt the consensus splice site. In summary, the currently available evidence indicates that the variant is pathogenic, but additional data are needed to prove that conclusively. Therefore, this variant has been classified as Likely Pathogenic.

Dr. Peter K. Rogan Lab, Western University
No classification provided (evidence only). Condition: Hepatocellular carcinoma. Review status: no classification provided. Collection method: in vitro. Allele origin: not applicable. Functional consequence: retained intron. Not counted in ClinVar's aggregate classification.

Literature cited by the submitters: PubMed 16199547 (cited by Labcorp Genetics (formerly Invitae), Labcorp); PubMed 26510951 (cited by Labcorp Genetics (formerly Invitae), Labcorp).